The following is an entry in ClinVar:

ClinVar aggregate classification (germline): Uncertain significance (1 of 4 stars; one submission).

Conditions:
Cardiovascular phenotype. Identifiers: MedGen CN230736.

Submission:

Ambry Genetics
Classification: Uncertain significance for Cardiovascular phenotype. Last evaluated: 2023-12-21. Review status: criteria provided, single submitter. Criteria: Ambry Variant Classification Scheme 2023. Collection method: clinical testing. Allele origin: germline.
Comment: The c.186T>A variant (also known as p.P62P), located in coding exon 3 of the EFEMP2 gene, results from a T to A substitution at nucleotide position 186. This nucleotide substitution does not change the proline at codon 62. This nucleotide position is poorly conserved in available vertebrate species. In silico splice site analysis predicts that this alteration may result in the creation or strengthening of a novel splice acceptor site. Since supporting evidence is limited at this time, the clinical significance of this alteration remains unclear.

NM_016938.5(EFEMP2):c.186T>A (p.Pro62=)

Gene: EFEMP2 (EGF containing fibulin extracellular matrix protein 2; minus strand). Cytogenetic location: 11q13.1.
Variant type: single nucleotide variant.
Coding change: c.186T>A on transcript NM_016938.5 (MANE Select); coding-DNA position 186, T replaced by A.
Protein change: p.Pro62=; no amino-acid change (proline 62 retained).
Molecular consequence: synonymous variant. On other transcripts: non-coding transcript variant (1).
Genome position (GRCh38, 1-based): chr11:65,871,338, A>T on the plus strand (T>A on the coding strand, the complement: EFEMP2 is on the minus strand). VCF-style: chr11-65871338-A-T. GRCh37 (hg19) VCF-style: chr11-65638809-A-T.
Identifiers: ClinVar variation 3226925 (VCV003226925.1), dbSNP rs745699648, ClinGen allele CA475296533.
Genomic context (GRCh38, chr11:65,871,338, plus strand): 5'-GGGCAGGCACAAGTAGCCCCCGTAGTGGTTGATGCACTTCATTTCCCCCTTGCAGGCCTC[A>T]GGGATGGTCAGACACTCGTTGACATCTGCAGAGAGGGGCCTGCTGGGCACAGCCAGTCTC-3'
Protein context (NP_058634.4, residues 52-72): CRDVNECLTI[Pro62=]EACKGEMKCI